The following is an entry in ClinVar:

NM_003491.4(NAA10):c.339G>C (p.Lys113Asn)

Gene: NAA10 (N-alpha-acetyltransferase 10, NatA catalytic subunit; minus strand). Cytogenetic location: Xq28.
Variant type: single nucleotide variant.
Coding change: c.339G>C on transcript NM_003491.4 (MANE Select); coding-DNA position 339, G replaced by C.
Protein change: p.Lys113Asn; replaces lysine 113 with asparagine.
Molecular consequence: missense variant.
Genome position (GRCh38, 1-based): chrX:153,932,318, C>G on the plus strand (G>C on the coding strand, the complement: NAA10 is on the minus strand). VCF-style: chrX-153932318-C-G. GRCh37 (hg19) VCF-style: chrX-153197771-C-G.
Other names: c.339G>C, p.Lys113Asn (NM_001256119.2); c.321G>C, p.Lys107Asn (NM_001256120.2); short protein forms K113N, K107N.
Identifiers: ClinVar variation 3877369 (VCV003877369.1).

ClinVar aggregate classification (germline): Uncertain significance (1 of 4 stars; one submission).

Conditions:
Inborn genetic diseases. Identifiers: MedGen C0950123, MeSH D030342.

Submission:

Ambry Genetics
Classification: Uncertain significance for Inborn genetic diseases. Last evaluated: 2025-01-21. Review status: criteria provided, single submitter. Criteria: Ambry Variant Classification Scheme 2023. Collection method: clinical testing. Allele origin: germline.
Comment: The c.339G>C (p.K113N) alteration is located in exon 5 (coding exon 5) of the NAA10 gene. This alteration results from a G to C substitution at nucleotide position 339, causing the lysine (K) at amino acid position 113 to be replaced by an asparagine (N). This variant was not reported in population-based cohorts in the Genome Aggregation Database (gnomAD). This amino acid position is highly conserved in available vertebrate species. This missense alteration is located in a region that has a low rate of benign missense variation (Lek, 2016; Firth, 2009). This alteration is predicted to be tolerated by in silico analysis. Based on insufficient or conflicting evidence, the clinical significance of this alteration remains unclear.